The following is an entry in ClinVar:

ClinVar aggregate classification (germline): Uncertain significance (1 of 4 stars; one submission).

Submission:

Labcorp Genetics (formerly Invitae), Labcorp
Classification: Uncertain significance. Last evaluated: 2025-12-15. Review status: criteria provided, single submitter. Criteria: Invitae Variant Classification Sherloc (09022015). Collection method: clinical testing. Allele origin: germline.
Comment: This sequence change replaces arginine, which is basic and polar, with tryptophan, which is neutral and slightly polar, at codon 27 of the AGPS protein (p.Arg27Trp). This variant is not present in population databases (gnomAD no frequency). This variant has not been reported in the literature in individuals affected with AGPS-related conditions. Experimental studies and prediction algorithms are not available or were not evaluated, and the functional significance of this variant is currently unknown. In summary, the available evidence is currently insufficient to determine the role of this variant in disease. Therefore, it has been classified as a Variant of Uncertain Significance.

NM_003659.4(AGPS):c.79C>T (p.Arg27Trp)

Genes: AGPS (alkylglycerone phosphate synthase; plus strand), LOC129935172 (ATAC-STARR-seq lymphoblastoid silent region 12147; plus strand). Cytogenetic location: 2q31.2.
Variant type: single nucleotide variant.
Coding change: c.79C>T on transcript NM_003659.4 (MANE Select); coding-DNA position 79, C replaced by T.
Protein change: p.Arg27Trp; replaces arginine 27 with tryptophan.
Molecular consequence: missense variant.
Genome position (GRCh38, 1-based): chr2:177,392,868, C>T. VCF-style: chr2-177392868-C-T. GRCh37 (hg19) VCF-style: chr2-178257596-C-T.
Other names: short protein forms R27W.
Identifiers: ClinVar variation 4706252 (VCV004706252.1).
Genomic context (GRCh38, chr2:177,392,868, plus strand): 5'-GCAGCGGGTGGGACTGGCTTGGGCGCGGGCGCGAGCTACGGGTCTGCAGCGGACCGGGAC[C>T]GGGACCCGGACCCGGACCGCGCCGGGCGGAGGCTGCGGGTTCTCTCTGGCCATCTGCTGG-3'
Protein context (NP_003650.1, residues 17-37): ASYGSAADRD[Arg27Trp]DPDPDRAGRR